The following is an entry in ClinVar:

NM_173477.5(USH1G):c.522C>A (p.Asp174Glu)

Gene: USH1G (USH1 protein network component sans; minus strand). Cytogenetic location: 17q25.1.
Variant type: single nucleotide variant.
Coding change: c.522C>A on transcript NM_173477.5 (MANE Select); coding-DNA position 522, C replaced by A.
Protein change: p.Asp174Glu; replaces aspartic acid 174 with glutamic acid.
Molecular consequence: missense variant.
Genome position (GRCh38, 1-based): chr17:74,920,314, G>T on the plus strand (C>A on the coding strand, the complement: USH1G is on the minus strand). VCF-style: chr17-74920314-G-T. GRCh37 (hg19) VCF-style: chr17-72916409-G-T.
Other names: c.213C>A, p.Asp71Glu (NM_001282489.3); short protein forms D174E, D71E.
Identifiers: ClinVar variation 2976975 (VCV002976975.3), dbSNP rs886043212, ClinGen allele CA400964859.

ClinVar aggregate classification (germline): Uncertain significance (1 of 4 stars; one submission).

Allele frequency attached by ClinVar (database versions not stated): gnomAD 0.00001; TOPMed 0.00001.
gnomAD v4.1: 23 of 1,607,632 alleles (0.0014%); highest among the groups gnomAD compares: Non-Finnish European, 0.0015%; no homozygotes.

Submission:

Labcorp Genetics (formerly Invitae), Labcorp
Classification: Uncertain significance. Last evaluated: 2022-11-10. Review status: criteria provided, single submitter. Criteria: Invitae Variant Classification Sherloc (09022015). Collection method: clinical testing. Allele origin: germline.
Comment: In summary, the available evidence is currently insufficient to determine the role of this variant in disease. Therefore, it has been classified as a Variant of Uncertain Significance. Advanced modeling of protein sequence and biophysical properties (such as structural, functional, and spatial information, amino acid conservation, physicochemical variation, residue mobility, and thermodynamic stability) performed at Invitae indicates that this missense variant is not expected to disrupt USH1G protein function. This variant has not been reported in the literature in individuals affected with USH1G-related conditions. This variant is present in population databases (no rsID available, gnomAD 0.007%). This sequence change replaces aspartic acid, which is acidic and polar, with glutamic acid, which is acidic and polar, at codon 174 of the USH1G protein (p.Asp174Glu).